The following is an entry in ClinVar:

ClinVar aggregate classification (germline): Uncertain significance (1 of 4 stars; one submission).

Allele frequency attached by ClinVar (database versions not stated): gnomAD 0.00001; gnomAD exomes 0.00001; TOPMed 0.00001.

Submission:

Ambry Genetics
Classification: Uncertain significance. Last evaluated: 2023-05-14. Review status: criteria provided, single submitter. Criteria: Ambry Variant Classification Scheme 2023. Collection method: clinical testing. Allele origin: germline.
Comment: The p.P7L variant (also known as c.20C>T), located in coding exon 1 of the EGLN2 gene, results from a C to T substitution at nucleotide position 20. The proline at codon 7 is replaced by leucine, an amino acid with similar properties. This amino acid position is conserved. In addition, this alteration is predicted to be tolerated by in silico analysis. Since supporting evidence is limited at this time, the clinical significance of this alteration remains unclear.

NM_080732.4(EGLN2):c.20C>T (p.Pro7Leu)

Genes: EGLN2 (egl-9 family hypoxia inducible factor 2; plus strand), RAB4B-EGLN2 (RAB4B-EGLN2 readthrough (NMD candidate); plus strand). Cytogenetic location: 19q13.2.
Variant type: single nucleotide variant.
Coding change: c.20C>T on transcript NM_080732.4 (MANE Select); coding-DNA position 20, C replaced by T.
Protein change: p.Pro7Leu; replaces proline 7 with leucine.
Molecular consequence: missense variant. On other transcripts: non-coding transcript variant (1).
Genome position (GRCh38, 1-based): chr19:40,800,592, C>T. VCF-style: chr19-40800592-C-T. GRCh37 (hg19) VCF-style: chr19-41306497-C-T.
Other names: c.20C>T, p.Pro7Leu (NM_053046.4); short protein forms P7L.
Identifiers: ClinVar variation 2560617 (VCV002560617.2), dbSNP rs770716861, ClinGen allele CA308486890.
Genomic context (GRCh38, chr19:40,800,592, plus strand): 5'-GGCGGTGCCCTCCATGCCCGGGGGATGAAGACACTGCTGCCATGGACAGCCCGTGCCAGC[C>T]GCAGCCCCTAAGTCAGGCTCTCCCTCAGTTACCAGGGTCTTCGTCAGAGCCCTTGGAGCC-3'
Protein context (NP_542770.2, residues 1-17): MDSPCQ[Pro7Leu]QPLSQALPQL